The following is an entry in ClinVar:

ClinVar aggregate classification (germline): Uncertain significance. Review status: criteria provided, multiple submitters, no conflicts (2 of 4 stars). 3 submissions from 3 submitters: Uncertain significance (3). Last evaluated 2025-02-10.

Conditions:
Hereditary cancer-predisposing syndrome. Also called: Neoplastic Syndromes, Hereditary; Tumor predisposition; Hereditary Cancer Syndrome; Hereditary neoplastic syndrome. Identifiers: Orphanet 140162, MedGen C0027672, MeSH D009386, MONDO:0015356.
Hereditary nonpolyposis colorectal neoplasms. Identifiers: MedGen C0009405, MeSH D003123.
Endometrial carcinoma. Also called: Endometrial carcinoma, somatic. Identifiers: MedGen C0476089, MONDO:0002447, OMIM 608089, HP:0012114.

Allele frequency attached by ClinVar (database versions not stated): gnomAD exomes below 0.00001.
gnomAD v4.1: 1 of 1,586,342 alleles (0.000063%); highest among the groups gnomAD compares: Non-Finnish European, 0.000086%; no homozygotes.

Submissions (3):

Labcorp Genetics (formerly Invitae), Labcorp
Classification: Uncertain significance for Hereditary nonpolyposis colorectal neoplasms. Last evaluated: 2025-02-10. Review status: criteria provided, single submitter. Criteria: Invitae Variant Classification Sherloc (09022015). Collection method: clinical testing. Allele origin: germline.
Comment: This sequence change replaces cysteine, which is neutral and slightly polar, with serine, which is neutral and polar, at codon 1337 of the MSH6 protein (p.Cys1337Ser). This variant is not present in population databases (gnomAD no frequency). This variant has not been reported in the literature in individuals affected with MSH6-related conditions. ClinVar contains an entry for this variant (Variation ID: 2676803). Invitae Evidence Modeling of protein sequence and biophysical properties (such as structural, functional, and spatial information, amino acid conservation, physicochemical variation, residue mobility, and thermodynamic stability) indicates that this missense variant is not expected to disrupt MSH6 protein function with a negative predictive value of 95%. In summary, the available evidence is currently insufficient to determine the role of this variant in disease. Therefore, it has been classified as a Variant of Uncertain Significance.

Baylor Genetics
Classification: Uncertain significance for Endometrial carcinoma. Last evaluated: 2023-08-03. Review status: criteria provided, single submitter. Criteria: ACMG Guidelines, 2015. Collection method: clinical testing. Allele origin: unknown.

Ambry Genetics
Classification: Uncertain significance for Hereditary cancer-predisposing syndrome. Last evaluated: 2022-09-26. Review status: criteria provided, single submitter. Criteria: Ambry Variant Classification Scheme 2023. Collection method: clinical testing. Allele origin: germline.

NM_000179.3(MSH6):c.4010G>C (p.Cys1337Ser)

Gene: MSH6 (mutS homolog 6; plus strand). Cytogenetic location: 2p16.3.
Variant type: single nucleotide variant.
Coding change: c.4010G>C on transcript NM_000179.3 (MANE Select); coding-DNA position 4010, G replaced by C.
Protein change: p.Cys1337Ser; replaces cysteine 1337 with serine.
Molecular consequence: missense variant. On other transcripts: 3 prime UTR variant (1), non-coding transcript variant (5).
Genome position (GRCh38, 1-based): chr2:47,806,787, G>C. VCF-style: chr2-47806787-G-C. GRCh37 (hg19) VCF-style: chr2-48033926-G-C.
Other names: c.3620G>C, p.Cys1207Ser (NM_001281492.2); c.3104G>C, p.Cys1035Ser (NM_001281493.2, NM_001281494.2, NM_001406811.1 and 6 more transcripts); c.4106G>C, p.Cys1369Ser (NM_001406795.1); c.4010G>C, p.Cys1337Ser (NM_001406796.1, NM_001406809.1); c.3713G>C, p.Cys1238Ser (NM_001406797.1, NM_001406805.1, NM_001406818.1 and 8 more transcripts); c.3836G>C, p.Cys1279Ser (NM_001406798.1); c.3485G>C, p.Cys1162Ser (NM_001406799.1, NM_001406806.1, NM_001406807.1); c.*31G>C (NM_001406800.1); and 11 more; short protein forms C1035S, C1049S, C1162S, C1207S, C1238S, C1279S, C1281S, C1311S.
Identifiers: ClinVar variation 2676803 (VCV002676803.5), dbSNP rs2104579758, ClinGen allele CA346761636.